The following is an entry in ClinVar:

NM_002227.4(JAK1):c.3091G>A (p.Asp1031Asn)

Gene: JAK1 (Janus kinase 1; minus strand). Cytogenetic location: 1p31.3.
Variant type: single nucleotide variant.
Coding change: c.3091G>A on transcript NM_002227.4 (MANE Select); coding-DNA position 3091, G replaced by A.
Protein change: p.Asp1031Asn; replaces aspartic acid 1031 with asparagine.
Molecular consequence: missense variant.
Genome position (GRCh38, 1-based): chr1:64,837,981, C>T on the plus strand (G>A on the coding strand, the complement: JAK1 is on the minus strand). VCF-style: chr1-64837981-C-T. GRCh37 (hg19) VCF-style: chr1-65303664-C-T.
Other names: c.3091G>A, p.Asp1031Asn (NM_001320923.2, NM_001321852.2, NM_001321853.2 and 3 more transcripts); c.3088G>A, p.Asp1030Asn (NM_001321857.2); c.3091G>A (NM_002227.2); short protein forms D1030N, D1031N.
Identifiers: ClinVar variation 2902100 (VCV002902100.4), dbSNP rs763865501, ClinGen allele CA23898988.

ClinVar aggregate classification (germline): Uncertain significance. Review status: criteria provided, multiple submitters, no conflicts (2 of 4 stars). 2 submissions from 2 submitters: Uncertain significance (2). Last evaluated 2025-09-26.

Conditions:
Inborn genetic diseases. Identifiers: MedGen C0950123, MeSH D030342.

Allele frequency attached by ClinVar (database versions not stated): gnomAD exomes below 0.00001.
gnomAD v4.1: 5 of 1,614,172 alleles (0.00031%); highest among the groups gnomAD compares: Admixed American, 0.005%; no homozygotes.

Submissions (2):

Ambry Genetics
Classification: Uncertain significance for Inborn genetic diseases. Last evaluated: 2025-09-26. Review status: criteria provided, single submitter. Criteria: Ambry Variant Classification Scheme 2023. Collection method: clinical testing. Allele origin: germline.

Labcorp Genetics (formerly Invitae), Labcorp
Classification: Uncertain significance. Last evaluated: 2025-02-26. Review status: criteria provided, single submitter. Criteria: Invitae Variant Classification Sherloc (09022015). Collection method: clinical testing. Allele origin: germline.
Comment: This sequence change replaces aspartic acid, which is acidic and polar, with asparagine, which is neutral and polar, at codon 1031 of the JAK1 protein (p.Asp1031Asn). This variant is not present in population databases (gnomAD no frequency). This variant has not been reported in the literature in individuals affected with JAK1-related conditions. ClinVar contains an entry for this variant (Variation ID: 2902100). Invitae Evidence Modeling of protein sequence and biophysical properties (such as structural, functional, and spatial information, amino acid conservation, physicochemical variation, residue mobility, and thermodynamic stability) indicates that this missense variant is not expected to disrupt JAK1 protein function with a negative predictive value of 80%. In summary, the available evidence is currently insufficient to determine the role of this variant in disease. Therefore, it has been classified as a Variant of Uncertain Significance.